The following is an entry in ClinVar:

ClinVar aggregate classification (germline): Benign. Review status: criteria provided, multiple submitters, no conflicts (2 of 4 stars). 6 submissions from 6 submitters: Benign (5). 1 of the submissions does not count toward it. Last evaluated 2025-01-24.

Conditions:
Inborn genetic diseases. Identifiers: MedGen C0950123, MeSH D030342.
Kleefstra syndrome 1 (KLEFS1). Identifiers: Orphanet 261494, MedGen C0795833, MONDO:0027407, OMIM 610253.

Allele frequency attached by ClinVar (database versions not stated): gnomAD 0.02177; ESP Exome Variant Server 0.02230; 1000 Genomes Project 0.02316; TOPMed 0.02407; 1000 Genomes Project 30x 0.02311.
gnomAD v4.1: 6,820 of 1,596,964 alleles (0.43%); highest among the groups gnomAD compares: African/African-American, 7.8%; 240 homozygotes.

Submissions (6):

Labcorp Genetics (formerly Invitae), Labcorp
Classification: Benign for Kleefstra syndrome 1. Last evaluated: 2025-01-24. Review status: criteria provided, single submitter. Criteria: Invitae Variant Classification Sherloc (09022015). Collection method: clinical testing. Allele origin: germline.

GeneDx
Classification: Benign. Last evaluated: 2018-07-17. Review status: criteria provided, single submitter. Criteria: GeneDx Variant Classification Process June 2021. Collection method: clinical testing. Allele origin: germline. Affected: yes.

Ambry Genetics
Classification: Benign for Inborn genetic diseases. Last evaluated: 2016-04-15. Review status: criteria provided, single submitter. Criteria: Ambry Variant Classification Scheme 2023. Collection method: clinical testing. Allele origin: germline.

Eurofins Ntd Llc (ga)
Classification: Benign. Last evaluated: 2013-04-19. Review status: criteria provided, single submitter. Criteria: EGL Classification Definitions 2015. Collection method: clinical testing. Allele origin: germline. Observed: 1 variant allele, 1 heterozygote.

Breakthrough Genomics
Classification: Benign. Review status: criteria provided, single submitter. Criteria: ACMG Guidelines, 2015. Collection method: not provided. Allele origin: germline. Inheritance: Autosomal dominant inheritance. Affected: yes.

Genetic Services Laboratory, University of Chicago
Classification: Likely benign for AllHighlyPenetrant. Review status: no assertion criteria provided. Collection method: clinical testing. Allele origin: germline. Inheritance: Autosomal dominant inheritance. Not counted in ClinVar's aggregate classification.
Comment: Likely benign based on allele frequency in 1000 Genomes Project or ESP global frequency and its presence in a patient with a rare or unrelated disease phenotype. NOT Sanger confirmed.

NM_024757.5(EHMT1):c.128C>G (p.Ala43Gly)

Gene: EHMT1 (euchromatic histone lysine methyltransferase 1; plus strand). Cytogenetic location: 9q34.3.
Variant type: single nucleotide variant.
Coding change: c.128C>G on transcript NM_024757.5 (MANE Select); coding-DNA position 128, C replaced by G.
Protein change: p.Ala43Gly; replaces alanine 43 with glycine.
Molecular consequence: missense variant.
Genome position (GRCh38, 1-based): chr9:137,716,668, C>G. VCF-style: chr9-137716668-C-G. GRCh37 (hg19) VCF-style: chr9-140611120-C-G.
Other names: c.128C>G, p.Ala43Gly (NM_001145527.2, NM_001354263.2, NM_001354611.2); c.35C>G, p.Ala12Gly (NM_001354259.2, NM_001354612.2); short protein forms A43G, A12G.
Identifiers: ClinVar variation 96139 (VCV000096139.25), dbSNP rs79514677, ClinGen allele CA149282.